The following is an entry in ClinVar:

ClinVar aggregate classification (germline): Uncertain significance (1 of 4 stars; one submission).

Submission:

Labcorp Genetics (formerly Invitae), Labcorp
Classification: Uncertain significance. Last evaluated: 2023-06-01. Review status: criteria provided, single submitter. Criteria: Invitae Variant Classification Sherloc (09022015). Collection method: clinical testing. Allele origin: germline.
Comment: In summary, the available evidence is currently insufficient to determine the role of this variant in disease. Therefore, it has been classified as a Variant of Uncertain Significance. Algorithms developed to predict the effect of sequence changes on RNA splicing suggest that this variant may disrupt the consensus splice site. Experimental studies and prediction algorithms are not available or were not evaluated, and the functional significance of this variant is currently unknown. This variant has not been reported in the literature in individuals affected with ERMARD-related conditions. This variant is present in population databases (no rsID available, gnomAD 0.002%). This variant, c.361_363del, results in the deletion of 1 amino acid(s) of the ERMARD protein (p.Ala121del), but otherwise preserves the integrity of the reading frame.

NM_018341.3(ERMARD):c.361_363del (p.Ala121del)

Gene: ERMARD (ER membrane associated RNA degradation; plus strand). Cytogenetic location: 6q27.
Variant type: Deletion.
Coding change: c.361_363del on transcript NM_018341.3 (MANE Select); coding-DNA positions 361 to 363, 3 bases deleted (GCT; older notation c.361_363delGCT).
Protein change: p.Ala121del; deletes alanine 121.
Molecular consequence: inframe deletion. On other transcripts: 5 prime UTR variant (2).
Genome position (GRCh38, 1-based): chr6:169,756,383-169,756,385, GCT deleted; deleting any 3 consecutive bases within chr6:169,756,381-169,756,385 gives the same sequence; the c. name uses the placement nearest the transcript's 3' end. VCF-style (leftmost placement, unchanged base first): chr6-169756380-CCTG-C. GRCh37 (hg19) VCF-style: chr6-170156476-CCTG-C.
Other names: c.361_363del, p.Ala121del (NM_001278531.2, NM_001278533.2); c.-18_-16del (NM_001278532.2, NM_001410957.1); short protein forms A121del.
Identifiers: ClinVar variation 3016017 (VCV003016017.3), dbSNP rs1308184642, ClinGen allele CA571998295.